The following is an entry in ClinVar:

NM_017654.4(SAMD9):c.1268A>G (p.Asp423Gly)

Gene: SAMD9 (sterile alpha motif domain containing 9; minus strand). Cytogenetic location: 7q21.2.
Variant type: single nucleotide variant.
Coding change: c.1268A>G on transcript NM_017654.4 (MANE Select); coding-DNA position 1268, A replaced by G.
Protein change: p.Asp423Gly; replaces aspartic acid 423 with glycine.
Molecular consequence: missense variant.
Genome position (GRCh38, 1-based): chr7:93,104,830, T>C on the plus strand (A>G on the coding strand, the complement: SAMD9 is on the minus strand). VCF-style: chr7-93104830-T-C. GRCh37 (hg19) VCF-style: chr7-92734143-T-C.
Other names: c.1268A>G, p.Asp423Gly (NM_001193307.2); short protein forms D423G.
Identifiers: ClinVar variation 3906433 (VCV003906433.2).

ClinVar aggregate classification (germline): Uncertain significance. Review status: criteria provided, multiple submitters, no conflicts (2 of 4 stars). 2 submissions from 2 submitters: Uncertain significance (2). Last evaluated 2025-07-12.

Conditions:
Inborn genetic diseases. Identifiers: MedGen C0950123, MeSH D030342.

Submissions (2):

Ambry Genetics
Classification: Uncertain significance for Inborn genetic diseases. Last evaluated: 2025-07-12. Review status: criteria provided, single submitter. Criteria: Ambry Variant Classification Scheme 2023. Collection method: clinical testing. Allele origin: germline.
Comment: The p.D423G variant (also known as c.1268A>G), located in coding exon 1 of the SAMD9 gene, results from an A to G substitution at nucleotide position 1268. The aspartic acid at codon 423 is replaced by glycine, an amino acid with similar properties. This amino acid position is conserved. In addition, this alteration is predicted to be tolerated by in silico analysis. Based on the available evidence, the clinical significance of this variant remains unclear.

GeneDx
Classification: Uncertain significance. Last evaluated: 2024-12-23. Review status: criteria provided, single submitter. Criteria: GeneDx Variant Classification Process June 2021. Collection method: clinical testing. Allele origin: germline. Affected: yes.
Comment: Not observed at significant frequency in large population cohorts (gnomAD); In silico analysis indicates that this missense variant does not alter protein structure/function; Has not been previously published as pathogenic or benign to our knowledge